The following is an entry in ClinVar:

ClinVar aggregate classification (germline): Uncertain significance (1 of 4 stars; one submission).

Conditions:
Inborn genetic diseases. Identifiers: MedGen C0950123, MeSH D030342.

Allele frequency attached by ClinVar (database versions not stated): gnomAD exomes below 0.00001.
gnomAD v4.1: 3 of 1,611,894 alleles (0.00019%); highest among the groups gnomAD compares: Non-Finnish European, 0.00025%; no homozygotes.

Submission:

Ambry Genetics
Classification: Uncertain significance for Inborn genetic diseases. Last evaluated: 2024-07-15. Review status: criteria provided, single submitter. Criteria: Ambry Variant Classification Scheme 2023. Collection method: clinical testing. Allele origin: germline.
Comment: The p.R1629T variant (also known as c.4886G>C), located in coding exon 34 of the LRRK2 gene, results from a G to C substitution at nucleotide position 4886. The arginine at codon 1629 is replaced by threonine, an amino acid with similar properties. This amino acid position is conserved. In addition, this alteration is predicted to be tolerated by in silico analysis. Since supporting evidence is limited at this time, the clinical significance of this alteration remains unclear.

NM_198578.4(LRRK2):c.4886G>C (p.Arg1629Thr)

Gene: LRRK2 (leucine rich repeat kinase 2; plus strand). Cytogenetic location: 12q12.
Variant type: single nucleotide variant.
Coding change: c.4886G>C on transcript NM_198578.4 (MANE Select); coding-DNA position 4886, G replaced by C.
Protein change: p.Arg1629Thr; replaces arginine 1629 with threonine.
Molecular consequence: missense variant.
Genome position (GRCh38, 1-based): chr12:40,320,046, G>C. VCF-style: chr12-40320046-G-C. GRCh37 (hg19) VCF-style: chr12-40713848-G-C.
Other names: short protein forms R1629T.
Identifiers: ClinVar variation 1743817 (VCV001743817.3), dbSNP rs2499873282, ClinGen allele CA384419505.
Genomic context (GRCh38, chr12:40,320,046, plus strand): 5'-AGATTTTGACAGTGAAAGTGGAAGGTTGTCCAAAACACCCTAAGGGCATTATTTCGCGTA[G>C]AGATGTGGAAAAATTTCTTTCAAAAAAAAGGAAATTTCCAAAGAACTACATGTCACAGTA-3'
Protein context (NP_940980.4, residues 1619-1639): PKHPKGIISR[Arg1629Thr]DVEKFLSKKR